The following is an entry in ClinVar:

ClinVar aggregate classification (germline): Benign/Likely benign. Review status: criteria provided, multiple submitters, no conflicts (2 of 4 stars). 7 submissions from 6 submitters: Benign (3); Likely benign (3). 1 of the submissions does not count toward it. Last evaluated 2025-12-19.

Conditions:
Adams-Oliver syndrome 5 (AOS5). Identifiers: Orphanet 974, MedGen C4014970, MONDO:0014459, OMIM 616028.
NOTCH1-related disorder. Also called: NOTCH1-related condition; NOTCH1-related disorders.
Familial thoracic aortic aneurysm and aortic dissection (TAAD). Also called: Thoracic aortic aneurysms and dissections. Identifiers: Orphanet 91387, MedGen C4707243, MONDO:0019625.
Aortic valve disease 1 (AOVD1). Identifiers: MedGen C3887892, MONDO:0024523, OMIM 109730.

Allele frequency attached by ClinVar (database versions not stated): gnomAD exomes 0.00010 and 0.00020; ExAC 0.00029; ESP Exome Variant Server 0.00031; gnomAD 0.00051 and 0.00052; TOPMed 0.00053; 1000 Genomes Project 0.00120; 1000 Genomes Project 30x 0.00125.
gnomAD v4.1: 230 of 1,610,214 alleles (0.014%); highest among the groups gnomAD compares: African/African-American, 0.17%; 1 homozygote.

Submissions (7):

Labcorp Genetics (formerly Invitae), Labcorp
Classification: Benign for Adams-Oliver syndrome 5. Last evaluated: 2025-12-19. Review status: criteria provided, single submitter. Criteria: Invitae Variant Classification Sherloc (09022015). Collection method: clinical testing. Allele origin: germline.

Genome-Nilou Lab
Classification: Benign for Adams-Oliver syndrome 5. Last evaluated: 2022-03-15. Review status: criteria provided, single submitter. Criteria: ACMG Guidelines, 2015. Collection method: clinical testing. Allele origin: germline. Affected: no.

Genome-Nilou Lab
Classification: Benign for Aortic valve disease 1. Last evaluated: 2022-03-15. Review status: criteria provided, single submitter. Criteria: ACMG Guidelines, 2015. Collection method: clinical testing. Allele origin: germline. Affected: no.

Blueprint Genetics
Classification: Likely benign. Last evaluated: 2021-06-28. Review status: criteria provided, single submitter. Criteria: ACMG Guidelines, 2015. Collection method: clinical testing. Allele origin: germline.

GeneDx
Classification: Likely benign. Last evaluated: 2021-02-23. Review status: criteria provided, single submitter. Criteria: GeneDx Variant Classification Process June 2021. Collection method: clinical testing. Allele origin: germline. Affected: yes.

Ambry Genetics
Classification: Likely benign for Familial thoracic aortic aneurysm and aortic dissection. Last evaluated: 2020-10-29. Review status: criteria provided, single submitter. Criteria: Ambry Variant Classification Scheme 2023. Collection method: clinical testing. Allele origin: germline.

PreventionGenetics, part of Exact Sciences
Classification: Likely benign for NOTCH1-related condition. Last evaluated: 2019-05-23. Review status: no assertion criteria provided. Collection method: clinical testing. Allele origin: germline. Not counted in ClinVar's aggregate classification.
Comment: This variant is classified as likely benign based on ACMG/AMP sequence variant interpretation guidelines (Richards et al. 2015 PMID: 25741868, with internal and published modifications).

NM_017617.5(NOTCH1):c.4653C>T (p.Ser1551=)

Gene: NOTCH1 (notch receptor 1; minus strand). Cytogenetic location: 9q34.3.
Variant type: single nucleotide variant.
Coding change: c.4653C>T on transcript NM_017617.5 (MANE Select); coding-DNA position 4653, C replaced by T.
Protein change: p.Ser1551=; no amino-acid change (serine 1551 retained).
Molecular consequence: synonymous variant.
Genome position (GRCh38, 1-based): chr9:136,505,038, G>A on the plus strand (C>T on the coding strand, the complement: NOTCH1 is on the minus strand). VCF-style: chr9-136505038-G-A. GRCh37 (hg19) VCF-style: chr9-139399490-G-A.
Other names: c.4653C>T, p.Ser1551= (LRG_1122t1); c.4653C>T (NM_017617.4).
Identifiers: ClinVar variation 415404 (VCV000415404.20), dbSNP rs368495371, ClinGen allele CA5340546.